The following is an entry in ClinVar:

ClinVar aggregate classification (germline): Uncertain significance (1 of 4 stars; one submission).

Submission:

Ambry Genetics
Classification: Uncertain significance. Last evaluated: 2024-07-11. Review status: criteria provided, single submitter. Criteria: Ambry Variant Classification Scheme 2023. Collection method: clinical testing. Allele origin: germline.
Comment: The p.L633W variant (also known as c.1898T>G), located in coding exon 13 of the RINT1 gene, results from a T to G substitution at nucleotide position 1898. The leucine at codon 633 is replaced by tryptophan, an amino acid with similar properties. This amino acid position is conserved. In addition, the in silico prediction for this alteration is inconclusive. Based on the available evidence, the clinical significance of this variant remains unclear.

NM_021930.6(RINT1):c.1898T>G (p.Leu633Trp)

Genes: EFCAB10 (EF-hand calcium binding domain 10; minus strand), RINT1 (RAD50 interactor 1; plus strand). Cytogenetic location: 7q22.3.
Variant type: single nucleotide variant.
Coding change: c.1898T>G on transcript NM_021930.6 (MANE Select); coding-DNA position 1898, T replaced by G.
Protein change: p.Leu633Trp; replaces leucine 633 with tryptophan.
Molecular consequence: missense variant. On other transcripts: non-coding transcript variant (1), 3 prime UTR variant (3).
Genome position (GRCh38, 1-based): chr7:105,565,288, T>G. VCF-style: chr7-105565288-T-G. GRCh37 (hg19) VCF-style: chr7-105205735-T-G.
Other names: c.*159A>C (NM_001355526.2); c.*261A>C (NM_001355530.2); c.*114A>C (NM_001355531.2); c.1664T>G, p.Leu555Trp (NM_001346599.2); c.875T>G, p.Leu292Trp (NM_001346600.2, NM_001346603.2); c.974T>G, p.Leu325Trp (NM_001346601.2); short protein forms L292W, L325W, L633W, L555W.
Identifiers: ClinVar variation 3433589 (VCV003433589.1).